The following is an entry in ClinVar:

NM_003978.5(PSTPIP1):c.835C>A (p.Pro279Thr)

Gene: PSTPIP1 (proline-serine-threonine phosphatase interacting protein 1; plus strand). Cytogenetic location: 15q24.3.
Variant type: single nucleotide variant.
Coding change: c.835C>A on transcript NM_003978.5 (MANE Select); coding-DNA position 835, C replaced by A.
Protein change: p.Pro279Thr; replaces proline 279 with threonine.
Molecular consequence: missense variant.
Genome position (GRCh38, 1-based): chr15:77,032,391, C>A. VCF-style: chr15-77032391-C-A. GRCh37 (hg19) VCF-style: chr15-77324732-C-A.
Other names: c.835C>A, p.Pro279Thr (NM_001321135.2, NM_001411086.1); c.808C>A, p.Pro270Thr (NM_001321136.2); c.1030C>A, p.Pro344Thr (NM_001321137.1); short protein forms P270T, P279T, P344T.
Identifiers: ClinVar variation 3389524 (VCV003389524.14).
Genomic context (GRCh38, chr15:77,032,391, plus strand): 5'-TGCAGCATAGACGCCGACATCGACAGTTTCATCCAGGCCAAGAGCACGGGCACAGAGCCC[C>A]CCGGTGAGGTCCGGCTTGCGGACAGCGCAGCCTCTAGGTGCATTGAGCCCCTGGGAAGGC-3'
Protein context (NP_003969.2, residues 269-289): IQAKSTGTEP[Pro279Thr]APVPYQNYYD

ClinVar aggregate classification (germline): Uncertain significance (1 of 4 stars; one submission).

Submission:

CeGaT Center for Human Genetics Tuebingen
Classification: Uncertain significance. Last evaluated: 2024-10-01. Review status: criteria provided, single submitter. Criteria: CeGaT Center For Human Genetics Tuebingen Variant Classification Criteria Version 2. Collection method: clinical testing. Allele origin: germline. Affected: yes. Observed: 1 variant allele.
Comment: PSTPIP1: PM2, BP4